The following is an entry in ClinVar:

NM_006767.4(LZTR1):c.813A>C (p.Glu271Asp)

Gene: LZTR1 (leucine zipper like post translational regulator 1; plus strand). Cytogenetic location: 22q11.21.
Variant type: single nucleotide variant.
Coding change: c.813A>C on transcript NM_006767.4 (MANE Select); coding-DNA position 813, A replaced by C.
Protein change: p.Glu271Asp; replaces glutamic acid 271 with aspartic acid.
Molecular consequence: missense variant.
Genome position (GRCh38, 1-based): chr22:20,991,649, A>C. VCF-style: chr22-20991649-A-C. GRCh37 (hg19) VCF-style: chr22-21345938-A-C.
Other names: short protein forms E271D.
Identifiers: ClinVar variation 3238347 (VCV003238347.1), dbSNP rs2518616962.

ClinVar aggregate classification (germline): Uncertain significance (1 of 4 stars; one submission).

Conditions:
Hereditary cancer-predisposing syndrome. Also called: Neoplastic Syndromes, Hereditary; Tumor predisposition; Hereditary neoplastic syndrome; Hereditary Cancer Syndrome. Identifiers: Orphanet 140162, MedGen C0027672, MeSH D009386, MONDO:0015356.
Cardiovascular phenotype. Identifiers: MedGen CN230736.

Submission:

Ambry Genetics
Classification: Uncertain significance for Cardiovascular phenotype; Hereditary cancer-predisposing syndrome. Last evaluated: 2023-04-19. Review status: criteria provided, single submitter. Criteria: Ambry Variant Classification Scheme 2023. Collection method: clinical testing. Allele origin: germline.
Comment: The p.E271D variant (also known as c.813A>C), located in coding exon 9 of the LZTR1 gene, results from an A to C substitution at nucleotide position 813. The glutamic acid at codon 271 is replaced by aspartic acid, an amino acid with highly similar properties. This amino acid position is conserved. In addition, this alteration is predicted to be tolerated by in silico analysis. Since supporting evidence is limited at this time, the clinical significance of this alteration remains unclear.